The following is an entry in ClinVar:

NM_001001563.5(TIMM50):c.259+5G>C

Gene: TIMM50 (translocase of inner mitochondrial membrane 50; plus strand). Cytogenetic location: 19q13.2.
Variant type: single nucleotide variant.
Coding change: c.259+5G>C on transcript NM_001001563.5 (MANE Select); 5 bases into the intron after coding-DNA position 259, G replaced by C.
Molecular consequence: intron variant.
Genome position (GRCh38, 1-based): chr19:39,482,038, G>C. VCF-style: chr19-39482038-G-C. GRCh37 (hg19) VCF-style: chr19-39972678-G-C.
Other names: NC_000019.9:g.39972678G>C; c.-22+5G>C (NM_001329559.2).
Identifiers: ClinVar variation 4439963 (VCV004439963.2).

ClinVar aggregate classification (germline): Uncertain significance (1 of 4 stars; one submission).

Submissions (2):

Labcorp Genetics (formerly Invitae), Labcorp
Classification: Uncertain significance. Last evaluated: 2025-07-23. Review status: criteria provided, single submitter. Criteria: Invitae Variant Classification Sherloc (09022015). Collection method: clinical testing. Allele origin: germline.
Comment: This sequence change falls in intron 2 of the TIMM50 gene. It does not directly change the encoded amino acid sequence of the TIMM50 protein. It affects a nucleotide within the consensus splice site. This variant is not present in population databases (gnomAD no frequency). This variant has not been reported in the literature in individuals affected with TIMM50-related conditions. Variants that disrupt the consensus splice site are a relatively common cause of aberrant splicing (PMID: 17576681, 9536098). Algorithms developed to predict the effect of sequence changes on RNA splicing suggest that this variant may disrupt the consensus splice site. In summary, the available evidence is currently insufficient to determine the role of this variant in disease. Therefore, it has been classified as a Variant of Uncertain Significance.

Dr. Peter K. Rogan Lab, Western University
No classification provided (evidence only). Condition: Ovarian serous cystadenocarcinoma. Review status: no classification provided. Collection method: in vitro. Allele origin: not applicable. Functional consequence: retained intron. Not counted in ClinVar's aggregate classification.

Literature cited by the submitters: PubMed 17576681 (cited by Labcorp Genetics (formerly Invitae), Labcorp); PubMed 9536098 (cited by Labcorp Genetics (formerly Invitae), Labcorp).